The following is an entry in ClinVar:

NM_015559.3(SETBP1):c.4556C>A (p.Ala1519Glu)

Gene: SETBP1 (SET binding protein 1; plus strand). Cytogenetic location: 18q12.3.
Variant type: single nucleotide variant.
Coding change: c.4556C>A on transcript NM_015559.3 (MANE Select); coding-DNA position 4556, C replaced by A.
Protein change: p.Ala1519Glu; replaces alanine 1519 with glutamic acid.
Molecular consequence: missense variant.
Genome position (GRCh38, 1-based): chr18:45,063,463, C>A. VCF-style: chr18-45063463-C-A. GRCh37 (hg19) VCF-style: chr18-42643428-C-A.
Other names: c.4556C>A, p.Ala1519Glu (NM_001379141.1, NM_001379142.1); c.4385C>A, p.Ala1462Glu (NM_001410862.1); c.4556C>A (NM_015559.2); short protein forms A1462E, A1519E.
Identifiers: ClinVar variation 2713222 (VCV002713222.5), dbSNP rs1216102483, ClinGen allele CA402483676.

ClinVar aggregate classification (germline): Benign/Likely benign. Review status: criteria provided, multiple submitters, no conflicts (2 of 4 stars). 3 submissions from 3 submitters: Benign (1); Likely benign (2). Last evaluated 2026-01-08.

Conditions:
Inborn genetic diseases. Identifiers: MedGen C0950123, MeSH D030342.

Allele frequency attached by ClinVar (database versions not stated): TOPMed below 0.00001.
gnomAD v4.1: 4 of 1,470,034 alleles (0.00027%); highest among the groups gnomAD compares: Admixed American, 0.0026%; no homozygotes.

Submissions (3):

Ambry Genetics
Classification: Likely benign for Inborn genetic diseases. Last evaluated: 2026-01-08. Review status: criteria provided, single submitter. Criteria: Ambry Variant Classification Scheme 2023. Collection method: clinical testing. Allele origin: germline.

Labcorp Genetics (formerly Invitae), Labcorp
Classification: Benign. Last evaluated: 2024-02-18. Review status: criteria provided, single submitter. Criteria: Invitae Variant Classification Sherloc (09022015). Collection method: clinical testing. Allele origin: germline.

GeneDx
Classification: Likely benign. Last evaluated: 2023-10-11. Review status: criteria provided, single submitter. Criteria: GeneDx Variant Classification Process June 2021. Collection method: clinical testing. Allele origin: germline. Affected: yes.
Comment: In silico analysis supports that this missense variant does not alter protein structure/function; Has not been previously published as pathogenic or benign to our knowledge